The following is an entry in ClinVar:

ClinVar aggregate classification (germline): Pathogenic/Likely pathogenic. Review status: criteria provided, multiple submitters, no conflicts (2 of 4 stars). 4 submissions from 4 submitters: Pathogenic (2); Likely pathogenic (2). Last evaluated 2026-08-06.

Conditions:
Congenital microcephaly - severe encephalopathy - progressive cerebral atrophy syndrome. Also called: Asparagine synthetase deficiency; ASNS DEFICIENCY. Identifiers: Orphanet 391376, MedGen C3809971, MONDO:0014258, OMIM 615574.

Allele frequency attached by ClinVar (database versions not stated): gnomAD exomes below 0.00001; gnomAD 0.00001; TOPMed 0.00002.
gnomAD v4.1: 5 of 1,614,010 alleles (0.00031%); highest among the groups gnomAD compares: African/African-American, 0.0053%; no homozygotes.

Submissions (4):

OLLIN Analises Genomicas, OLLIN
Classification: Pathogenic. Last evaluated: 2026-08-06. Review status: criteria provided, single submitter. Criteria: ACMG Guidelines 2015 PMID 25741868. Collection method: clinical testing. Allele origin: germline.
Comment: This nonsense variant, located in exon 10 (of 13), has been reported in ClinVar (accession VCV000946671.9) and in gnomAD with an allele frequency of 0.00031%. However, to our knowledge, it has not been reported in the scientific literature. This variant introduces a premature stop codon, which is predicted to result in either a truncated protein or degradation of the mRNA via nonsense-mediated decay (NMD). According to the currently available evidence, this variant has been classified as pathogenic (PVS1, PM2_P, PM3).

Natera, Inc.
Classification: Likely pathogenic for Asparagine synthetase deficiency. Last evaluated: 2025-06-30. Review status: criteria provided, single submitter. Criteria: Natera Variant Classification Schema (03/2026). Collection method: clinical testing. Allele origin: germline.
Comment: The c.1165G>T variant in ASNS is a nonsense variant predicted to introduce a stop codon at amino acid 389. This variant is expected to result in nonsense mediated decay, truncation, or a dysfunctional protein product. This variant is rare in the general population with a frequency below the threshold expected for the associated phenotype(s). Given the available evidence, this variant is classified as Likely Pathogenic.

Labcorp Genetics (formerly Invitae), Labcorp
Classification: Pathogenic. Last evaluated: 2024-10-22. Review status: criteria provided, single submitter. Criteria: Invitae Variant Classification Sherloc (09022015). Collection method: clinical testing. Allele origin: germline.
Comment: This sequence change creates a premature translational stop signal (p.Glu389*) in the ASNS gene. It is expected to result in an absent or disrupted protein product. Loss-of-function variants in ASNS are known to be pathogenic (PMID: 27422383, 30057589). The frequency data for this variant in the population databases is considered unreliable, as metrics indicate poor data quality at this position in the gnomAD database. This variant has not been reported in the literature in individuals affected with ASNS-related conditions. ClinVar contains an entry for this variant (Variation ID: 946671). Algorithms developed to predict the effect of sequence changes on RNA splicing suggest that this variant may disrupt the consensus splice site. For these reasons, this variant has been classified as Pathogenic.

Women's Health and Genetics/Laboratory Corporation of America, LabCorp
Classification: Likely pathogenic for Congenital microcephaly - severe encephalopathy - progressive cerebral atrophy syndrome. Last evaluated: 2023-02-19. Review status: criteria provided, single submitter. Criteria: LabCorp Variant Classification Summary - May 2015. Collection method: clinical testing. Allele origin: germline.
Comment: Variant summary: ASNS c.1165G>T (p.Glu389X) results in a premature termination codon, predicted to cause a truncation of the encoded protein or absence of the protein due to nonsense mediated decay, which are commonly known mechanisms for disease. Truncations downstream of this position have been classified as pathogenic by our laboratory and in ClinVar. The variant was absent in 251388 control chromosomes (gnomAD). c.1165G>T has been reported in in at-least one individual reportedly affected with Asparagine Synthetase Deficiency (example: Quaio_2020). To our knowledge, no experimental evidence demonstrating an impact on protein function has been reported. One clinical diagnostic laboratory has submitted clinical-significance assessments for this variant to ClinVar after 2014 and classified the variant as pathogenic. Based on the evidence outlined above, the variant was classified as likely pathogenic.

Literature cited by the submitters: PubMed 27422383 (cited by Labcorp Genetics (formerly Invitae), Labcorp); PubMed 30057589 (cited by Labcorp Genetics (formerly Invitae), Labcorp); PubMed 33258288 (cited by Women's Health and Genetics/Laboratory Corporation of America, LabCorp).

NM_001673.5(ASNS):c.1165G>T (p.Glu389Ter)

Genes: ASNS (asparagine synthetase (glutamine-hydrolyzing); minus strand), CZ1P-ASNS (CZ1P-ASNS readthrough; minus strand). Cytogenetic location: 7q21.3.
Variant type: single nucleotide variant.
Coding change: c.1165G>T on transcript NM_001673.5 (MANE Select); coding-DNA position 1165, G replaced by T.
Protein change: p.Glu389Ter; replaces glutamic acid 389 with a stop codon.
Molecular consequence: nonsense. On other transcripts: non-coding transcript variant (1).
Genome position (GRCh38, 1-based): chr7:97,854,653, C>A on the plus strand (G>T on the coding strand, the complement: ASNS is on the minus strand). VCF-style: chr7-97854653-C-A. GRCh37 (hg19) VCF-style: chr7-97483965-C-A.
Other names: c.1102G>T, p.Glu368Ter (NM_001178075.2); c.916G>T, p.Glu306Ter (NM_001178076.2, NM_001178077.1); c.1165G>T, p.Glu389Ter (NM_001352496.2, NM_183356.4, NM_133436.3); short protein forms E306*, E368*, E389*.
Identifiers: ClinVar variation 946671 (VCV000946671.10), dbSNP rs948326794, ClinGen allele CA163027957.
Genomic context (GRCh38, chr7:97,854,653, plus strand): 5'-TAGTTCGATCTGCGCGGAGAACATCAAACAAATAGAGTTCCCTCAGAAGCCTCTCACTCT[C>A]CTCCTCGGCTTTTTCAGGAGAAGGAGCCTATTTCACAAACAAAAACACCAAGAGTTTTGC-3'